The following is an entry in ClinVar:

ClinVar aggregate classification (germline): Uncertain significance (1 of 4 stars; one submission).

Submission:

GeneDx
Classification: Uncertain significance. Last evaluated: 2025-08-06. Review status: criteria provided, single submitter. Criteria: GeneDx Variant Classification Process June 2021. Collection method: clinical testing. Allele origin: germline. Affected: yes.
Comment: Not observed at significant frequency in large population cohorts (gnomAD); In silico analysis supports that this missense variant has a deleterious effect on protein structure/function; Has not been previously published as pathogenic or benign to our knowledge

NM_001127222.2(CACNA1A):c.3646C>G (p.Pro1216Ala)

Gene: CACNA1A (calcium voltage-gated channel subunit alpha1 A; minus strand). Cytogenetic location: 19p13.13.
Variant type: single nucleotide variant.
Coding change: c.3646C>G on transcript NM_001127222.2 (MANE Select); coding-DNA position 3646, C replaced by G.
Protein change: p.Pro1216Ala; replaces proline 1216 with alanine.
Molecular consequence: missense variant.
Genome position (GRCh38, 1-based): chr19:13,285,114, G>C on the plus strand (C>G on the coding strand, the complement: CACNA1A is on the minus strand). VCF-style: chr19-13285114-G-C. GRCh37 (hg19) VCF-style: chr19-13395928-G-C.
Other names: c.3649C>G, p.Pro1217Ala (NM_001127221.2, NM_001174080.2); c.3658C>G, p.Pro1220Ala (NM_023035.3, NM_000068.4); short protein forms P1216A, P1217A, P1220A.
Identifiers: ClinVar variation 4756029 (VCV004756029.1).